The following is an entry in ClinVar:

ClinVar aggregate classification (germline): Uncertain significance. Review status: criteria provided, multiple submitters, no conflicts (2 of 4 stars). 2 submissions from 2 submitters: Uncertain significance (2). Last evaluated 2024-03-26.

Conditions:
Monocytopenia with susceptibility to infections. Also called: MONOCYTOPENIA AND MYCOBACTERIAL INFECTION SYNDROME; MONOCYTOPENIA WITH SUSCEPTIBILITY TO MYCOBACTERIAL, FUNGAL, AND PAPILLOMAVIRUS INFECTIONS AND MYELODYSPLASIA; COMBINED IMMUNODEFICIENCY WITH SUSCEPTIBILITY TO MYCOBACTERIAL, VIRAL, AND FUNGAL INFECTIONS; Dendritic cell, monocyte, B lymphocyte, and natural killer lymphocyte deficiency; IMMUNODEFICIENCY 21; GATA2 DEFICIENCY. Identifiers: Orphanet 228423, MedGen C3280030, MONDO:0013607, OMIM 614172.
Deafness-lymphedema-leukemia syndrome. Also called: Lymphedema, primary, with myelodysplasia; Emberger syndrome. Identifiers: Orphanet 3226, MedGen C3279664, MONDO:0013540, OMIM 614038.

Submissions (2):

Genomic Medicine Center of Excellence, King Faisal Specialist Hospital and Research Centre
Classification: Uncertain significance for Monocytopenia with susceptibility to infections. Last evaluated: 2024-03-26. Review status: criteria provided, single submitter. Criteria: ACMG Guidelines, 2015. Collection method: clinical testing. Allele origin: germline.

Labcorp Genetics (formerly Invitae), Labcorp
Classification: Uncertain significance for Monocytopenia with susceptibility to infections; Deafness-lymphedema-leukemia syndrome. Last evaluated: 2017-06-23. Review status: criteria provided, single submitter. Criteria: Invitae Variant Classification Sherloc (09022015). Collection method: clinical testing. Allele origin: germline.
Comment: Experimental studies and prediction algorithms are not available for this variant, and the functional significance of the deleted amino acids is currently unknown. In summary, the available evidence is currently insufficient to determine the role of this variant in disease. Therefore, it has been classified as a Variant of Uncertain Significance. This variant has not been reported in the literature in individuals with GATA2-related disease. This variant is not present in population databases (ExAC no frequency). This variant, c.1160_1168delCCATGAAGA, results in the deletion of 3 amino acids of the GATA2 protein (p.Thr387_Lys389del), but otherwise preserves the integrity of the reading frame.

NM_032638.5(GATA2):c.1160_1168del (p.Thr387_Lys389del)

Gene: GATA2 (GATA binding protein 2; minus strand). Cytogenetic location: 3q21.3.
Variant type: Deletion.
Coding change: c.1160_1168del on transcript NM_032638.5 (MANE Select); coding-DNA positions 1160 to 1168, 9 bases deleted (CCATGAAGA; older notation c.1160_1168delCCATGAAGA).
Protein change: p.Thr387_Lys389del.
Molecular consequence: inframe deletion.
Genome position (GRCh38, 1-based): chr3:128,481,294-128,481,302, TCTTCATGG deleted on the plus strand (CCATGAAGA on the coding strand, the reverse complement: GATA2 is on the minus strand); deleting any 9 consecutive bases within chr3:128,481,294-128,481,304 gives the same sequence; the c. name uses the placement nearest the transcript's 3' end. VCF-style (leftmost placement, unchanged base first): chr3-128481293-TTCTTCATGG-T. GRCh37 (hg19) VCF-style: chr3-128200136-TTCTTCATGG-T.
Other names: c.1160_1168delCCATGAAGA (NM_032638.4); c.1160_1168del, p.Thr387_Lys389del (NM_001145661.2); c.1118_1126del, p.Thr373_Lys375del (NM_001145662.1).
Identifiers: ClinVar variation 472435 (VCV000472435.9), dbSNP rs1553770444, ClinGen allele CA658657334.
Genomic context (GRCh38, chr3:128,481,293, plus strand): 5'-CCTTTCTTGCTCTTCTTGGACTTGTTGGACATCTTCCGGTTCCGAGTCTGGATCCCTTCC[TTCTTCATGG>T]TCAGTGGCCTGTTAACCTAGAGGCAACCACCAGTTTTCAGAGGGCCAGTTCCTTCCTCCA-3'